The following is an entry in ClinVar:

ClinVar aggregate classification (germline): Likely pathogenic (1 of 4 stars; one submission).

Conditions:
Hereditary cancer-predisposing syndrome. Also called: Neoplastic Syndromes, Hereditary; Tumor predisposition; Hereditary Cancer Syndrome; Hereditary neoplastic syndrome. Identifiers: Orphanet 140162, MedGen C0027672, MeSH D009386, MONDO:0015356.

Submission:

Ambry Genetics
Classification: Likely pathogenic for Hereditary cancer-predisposing syndrome. Last evaluated: 2026-05-20. Review status: criteria provided, single submitter. Criteria: Ambry Variant Classification Scheme 2023. Collection method: clinical testing. Allele origin: germline.
Comment: The c.5160+2T>A intronic variant results from a T to A substitution two nucleotides after coding exon 39 in the TSC2 gene. Other variant(s) impacting the same donor site (c.5160+1G>T) have been shown to have a similar impact on splicing in individual(s) with features consistent with tuberous sclerosis complex (Yang G et al. Clin Genet. 2017 May;91:764-768; Ambry internal data).This variant is considered to be rare based on population cohorts in the Genome Aggregation Database (gnomAD).This nucleotide position is highly conserved in available vertebrate species. In silico splice site analysis predicts that this alteration will weaken the native splice donor site and may result in the creation or strengthening of a novel splice donor site. Variants that disrupt the canonical splice site are expected to cause aberrant splicing, resulting in an abnormal protein or a transcript that is subject to nonsense-mediated mRNA decay. As such, this variant is classified as likely pathogenic.

Literature cited by the submitters: PubMed 27859028.

NM_000548.5(TSC2):c.5160+2T>A

Gene: TSC2 (TSC complex subunit 2; plus strand). Cytogenetic location: 16p13.3.
Variant type: single nucleotide variant.
Coding change: c.5160+2T>A on transcript NM_000548.5 (MANE Select); the canonical splice donor site of the intron after coding-DNA position 5160, T replaced by A.
Molecular consequence: splice donor variant.
Genome position (GRCh38, 1-based): chr16:2,088,141, T>A. VCF-style: chr16-2088141-T-A. GRCh37 (hg19) VCF-style: chr16-2138142-T-A.
Other names: c.3618+2T>A (NM_001406693.1, NM_001406692.1, NM_001406694.1); c.5052+2T>A (NM_001406667.1); c.5049+2T>A (NM_001406668.1); c.4560+2T>A (NM_001406680.1); c.4491+2T>A (NM_001406683.1, NM_001406682.1); c.4359+2T>A (NM_001406687.1, NM_001406688.1); c.3747+2T>A (NM_001406689.1); c.3687+2T>A (NM_001406690.1); and 26 more.
Identifiers: ClinVar variation 4866111 (VCV004866111.1).
Genomic context (GRCh38, chr16:2,088,141, plus strand): 5'-AGATCGTGTCTGACCGCAACCTGCCCTTCGTGGCCCGCCAGATGGCCCTGCACGCAAATG[T>A]GAGTGGGGGTGGGTCCAGGCGTGAGCTGGTGGGACAGGCCCAGGTGCCACCTGATAGTGA-3'